The following is an entry in ClinVar:

NM_004004.6(GJB2):c.109G>T (p.Val37Phe)

Gene: GJB2 (gap junction protein beta 2; minus strand). Cytogenetic location: 13q12.11.
Variant type: single nucleotide variant.
Coding change: c.109G>T on transcript NM_004004.6 (MANE Select); coding-DNA position 109, G replaced by T.
Protein change: p.Val37Phe; replaces valine 37 with phenylalanine.
Molecular consequence: missense variant.
Genome position (GRCh38, 1-based): chr13:20,189,473, C>A on the plus strand (G>T on the coding strand, the complement: GJB2 is on the minus strand). VCF-style: chr13-20189473-C-A. GRCh37 (hg19) VCF-style: chr13-20763612-C-A.
Other names: NM_004004.6(GJB2):c.109G>T; short protein forms V37F.
Identifiers: ClinVar variation 179256 (VCV000179256.13), dbSNP rs72474224, ClinGen allele CA273605.

ClinVar aggregate classification (germline): Likely pathogenic. Review status: reviewed by expert panel (3 of 4 stars). 5 submissions from 5 submitters: Likely pathogenic (1). 4 of the submissions do not count toward it. Last evaluated 2026-08-19.

Conditions:
Nonsyndromic genetic hearing loss. Also called: Nonsyndromic hearing loss and deafness; Nonsyndromic genetic deafness; Non-syndromic genetic deafness. Identifiers: Orphanet 87884, MedGen C5680182, MONDO:0019497.
Rare genetic deafness. Identifiers: Orphanet 96210, MedGen C5680250.
GJB2-related disorder. Also called: GJB2-related condition; GJB2-related disorders. Identifiers: MedGen CN382183, MONDO:1060236.
Autosomal recessive nonsyndromic hearing loss 1A (DFNB1A). Also called: GJB6-Related DFNB 1 Nonsyndromic Hearing Loss and Deafness; Connexin 26 deafness; Deafness nonsyndromic, Connexin 26 linked; GJB2-Related Autosomal Recessive Nonsyndromic Hearing Loss; Nonsyndromic Hearing Loss and Deafness, DFNB1; Deafness, autosomal recessive 1A. Identifiers: Orphanet 90636, MedGen C2673759, MONDO:0009076, OMIM 220290.

Submissions (5):

ClinGen Hearing Loss Variant Curation Expert Panel
Classification: Likely pathogenic for Nonsyndromic genetic hearing loss. Last evaluated: 2026-08-19. Review status: reviewed by expert panel. Criteria: Clingen Hl Acmg Specifications Cdh23 Coch Gjb2 Kcnq4 Myo6 Myo7a Slc26a4 Tecta Ush2a V2. Collection method: curation. Allele origin: germline. Inheritance: Autosomal recessive inheritance.
Comment: The NM_004004.6(GJB2):c.109G>T variant in GJB2 is a missense variant predicted to cause substitution of Valine to Phenylalanine at amino acid 37 (p.Val37Phe). This variant is absent from gnomAD v4.1.1 (PM2_Supporting met). The computational predictor REVEL yields a score of 0.828 (PP3 met).This variant has been detected in one individual with hearing loss in trans with a pathogenic c.167del (p.Leu56Argfs*26) (Laboratory for Molecular Medicine internal data, Clinvar ID 179256) (1.0 point, PM3 met). One missense variant, p.Val37Ile (ClinVar ID 17023), in the same codon has been classified as pathogenic for autosomal recessive non syndromic hearing loss by the ClinGen HL-VCEP (PM5 met). In summary, based on the current evidence (PM2_Supporting, PM3, PM5, PP3), the variant NM_004004.6(GJB2):c.109G>T (p.Val37Phe) is classified as likely pathogenic for autosomal recessive non-syndromic HL based on the ACMG/AMP criteria applied, as specified by the ClinGen Hearing Loss VCEP. (ClinGen Hearing Loss VCEP specifications version 2; 8/19/2026).

Women's Health and Genetics/Laboratory Corporation of America, LabCorp
Classification: Pathogenic for Autosomal recessive nonsyndromic hearing loss 1A. Last evaluated: 2026-06-01. Review status: criteria provided, single submitter. Criteria: LabCorp Variant Classification Summary - May 2015. Collection method: clinical testing. Allele origin: germline. Not counted in ClinVar's aggregate classification.
Comment: Variant summary: GJB2 c.109G>T (p.Val37Phe) results in a non-conservative amino acid change in the encoded protein sequence. Algorithms developed to predict the effect of missense changes on protein structure and function all suggest that this variant is likely to be disruptive. The variant was absent in 250766 control chromosomes. c.109G>T has been observed in the presumed compound heterozygous state in at least 2 individual(s) affected with autosomal recessive nonsyndromic deafness (example, Pal_2023). It has also been observed presumed het in at least 1 individual with clinical features of autosomal dominant GJB2-related deafness (internal data). These data indicate that the variant may be associated with disease. To our knowledge, no experimental evidence demonstrating an impact on protein function has been reported. Multiple variants located at the same codon (c.109G>A, p.Val37Ile; c.110T>C, p.Val37Ala) have been classified as Pathogenic/Likely Pathogenic for autosomal recessive nonsyndromic deafness, supporting a critical relevance of this residue to GJB2 protein function. Internally validated machine learning-based Evidence Modeling of protein sequence and biophysical properties (such as structural, functional, and spatial information, amino acid conservation, physicochemical variation, residue mobility, and thermodynamic stability) indicates that this missense variant is expected to disrupt protein function with a positive predictive value of at least 95%. The following publication have been ascertained in the context of this evaluation (PMID: 37108562). ClinVar contains an entry for this variant (Variation ID: 179256). While this variant has been reported in the literature, the clinical significance of the variant for autosomal dominant GJB2-related conditions could not be established. Based on the evidence outlined above, the variant was classified as pathogenic for autosomal recessive nonsyndromic deafness.

Labcorp Genetics (formerly Invitae), Labcorp
Classification: Likely pathogenic. Last evaluated: 2023-05-23. Review status: criteria provided, single submitter. Criteria: Invitae Variant Classification Sherloc (09022015). Collection method: clinical testing. Allele origin: germline. Not counted in ClinVar's aggregate classification.
Comment: In summary, the currently available evidence indicates that the variant is pathogenic, but additional data are needed to prove that conclusively. Therefore, this variant has been classified as Likely Pathogenic. This variant disrupts the p.Val37 amino acid residue in GJB2. Other variant(s) that disrupt this residue have been determined to be pathogenic (PMID: 12505163, 17935238, 24945352, 28489599). This suggests that this residue is clinically significant, and that variants that disrupt this residue are likely to be disease-causing. Advanced modeling of protein sequence and biophysical properties (such as structural, functional, and spatial information, amino acid conservation, physicochemical variation, residue mobility, and thermodynamic stability) performed at Invitae indicates that this missense variant is expected to disrupt GJB2 protein function. ClinVar contains an entry for this variant (Variation ID: 179256). This variant has not been observed in the literature in individuals with autosomal recessive GJB2-related conditions. This variant has been reported in individual(s) with clinical features of autosomal dominant GJB2-related conditions (Invitae); however, the role of the variant in this condition is currently unclear. This variant is not present in population databases (gnomAD no frequency). This sequence change replaces valine, which is neutral and non-polar, with phenylalanine, which is neutral and non-polar, at codon 37 of the GJB2 protein (p.Val37Phe).

Blueprint Genetics
Classification: Likely pathogenic for GJB2-related disorders. Last evaluated: 2022-03-31. Review status: criteria provided, single submitter. Criteria: ACMG Guidelines, 2015. Collection method: clinical testing. Allele origin: germline. Affected: yes. Observed: 1 variant allele. Not counted in ClinVar's aggregate classification.

Laboratory for Molecular Medicine, Mass General Brigham Personalized Medicine
Classification: Likely pathogenic for Rare genetic deafness. Last evaluated: 2013-10-05. Review status: criteria provided, single submitter. Criteria: LMM Criteria. Collection method: clinical testing. Allele origin: germline. Inheritance: Autosomal recessive inheritance. Observed: 1 variant allele. Not counted in ClinVar's aggregate classification.
Comment: In addition, a known pathogenic variant at the same amino acid position (Val37Ile) has been reported in individuals with hearing lo ss that is typically mild to moderate (Snoeckx 2005, Huculak 2006, Pollak 2007). In summary, this variant is likely to be pathogenic because it is found in tran s with a pathogenic GJB2 variant in an affected individual and it alters the sam e amino acid residue affected by a known pathogenic GJB2 variant; however, addit ional studies are required to fully establish its clinical significance.

Literature cited by the submitters: PubMed 37108562 (cited by Women's Health and Genetics/Laboratory Corporation of America, LabCorp); PubMed 12505163 (cited by Labcorp Genetics (formerly Invitae), Labcorp); PubMed 17935238 (cited by Labcorp Genetics (formerly Invitae), Labcorp and Laboratory for Molecular Medicine, Mass General Brigham Personalized Medicine); PubMed 24945352 (cited by Labcorp Genetics (formerly Invitae), Labcorp); PubMed 28489599 (cited by Labcorp Genetics (formerly Invitae), Labcorp); PubMed 16380907 (cited by Laboratory for Molecular Medicine, Mass General Brigham Personalized Medicine); PubMed 17036313 (cited by Laboratory for Molecular Medicine, Mass General Brigham Personalized Medicine).